The following is an entry in ClinVar:

ClinVar aggregate classification (germline): Conflicting classifications of pathogenicity. Review status: criteria provided, conflicting classifications (1 of 4 stars). 18 submissions from 18 submitters: Uncertain significance (4); Benign (6); Likely benign (4). 4 of the submissions do not count toward it. Last evaluated 2026-02-04.

Conditions:
Hereditary pancreatitis (PCTT). Also called: PRSS1-Related Hereditary Pancreatitis; Hereditary chronic pancreatitis. Identifiers: Orphanet 676, MedGen C0238339, MONDO:0008185, OMIM 167800.
Cystic fibrosis (CF). Also called: MUCOVISCIDOSIS. Identifiers: Orphanet 586, MedGen C0010674, MONDO:0009061, OMIM 219700. Disease mechanism: loss of function.

Allele frequency attached by ClinVar (database versions not stated): gnomAD 0.00034; TOPMed 0.00039.
gnomAD v4.1: 452 of 1,612,486 alleles (0.028%); highest among the groups gnomAD compares: Admixed American, 0.12%; no homozygotes.

Submissions (18):

Labcorp Genetics (formerly Invitae), Labcorp
Classification: Benign for Cystic fibrosis. Last evaluated: 2026-02-04. Review status: criteria provided, single submitter. Criteria: Invitae Variant Classification Sherloc (09022015). Collection method: clinical testing. Allele origin: germline.

Genomic Medicine Center of Excellence, King Faisal Specialist Hospital and Research Centre
Classification: Uncertain significance for Cystic fibrosis. Last evaluated: 2025-09-10. Review status: criteria provided, single submitter. Criteria: ACMG Guidelines, 2015. Collection method: clinical testing. Allele origin: germline.

ARUP Laboratories, Molecular Genetics and Genomics, ARUP Laboratories
Classification: Uncertain significance. Last evaluated: 2025-02-27. Review status: criteria provided, single submitter. Criteria: ARUP Molecular Germline Variant Investigation Process 2024. Collection method: clinical testing. Allele origin: germline.
Comment: The CFTR c.1516A>G; p.Ile506Val variant (rs1800091) is reported in the literature in at least two individuals with a severe pathogenic variant on the opposite allele and no symptoms of cystic fibrosis (Kobayashi 1990). The p.Ile506Val variant is reported in ClinVar (Variation ID: 7131), and is found in the general population with an overall allele frequency of 0.036% (101/282,660 alleles) in the Genome Aggregation Database (v2.1.1). Computational analyses are uncertain whether this variant is neutral or deleterious (REVEL: 0.570). Additionally, other amino acid substitutions at this codon (Leu, Met, Ser, Thr) have been reported in individuals with cystic fibrosis (Castellani 2008, Chevalier-Porst 1994, Deufel 1994, Standvick 2001). While this variant is unlikely to be associated with classic cystic fibrosis, since an association with CFTR- related disorder cannot be excluded p.Ile506Val is classified as a variant of uncertain clinical significance. References: Castellani C et al. Consensus on the use and interpretation of cystic fibrosis mutation analysis in clinical practice. J Cyst Fibros. 2008 May;7(3):179-96. PMID: 18456578 Chevalier-Porst F et al. Mutation analysis in 600 French cystic fibrosis patients. J Med Genet. 1994 Jul;31(7):541-4. PMID: 7525963 Deufel A et al. Three novel mutations (I506S, S466X, 1651A-->T) in exon 10 of the cystic fibrosis transmembrane conductance regulator (CFTR) detected in patients of southern German descent. Hum Mutat. 1994;3(1):64-6. PMID: 7509683 Kobayashi K et al. Benign missense variations in the cystic fibrosis gene. Am J Hum Genet. 1990 47(4):611-5. PMID: 1977306 Strandvik B et al. Spectrum of mutations in the CFTR gene of patients with classical and atypical forms of cystic fibrosis from southwestern Sweden: identification of 12 novel mutations. Genet Test. 2001 5(3):235-42. PMID: 11788090

Blueprint Genetics
Classification: Likely benign. Last evaluated: 2024-11-25. Review status: criteria provided, single submitter. Criteria: ACMG Guidelines, 2015. Collection method: clinical testing. Allele origin: germline.

Johns Hopkins Genomics, Johns Hopkins University
Classification: Likely benign for Cystic fibrosis. Last evaluated: 2024-10-15. Review status: criteria provided, single submitter. Criteria: ACMG Guidelines, 2015. Collection method: clinical testing. Allele origin: germline.
Comment: This variant is classified as likely benign (PM2, PM5, BS4, BP6).

CeGaT Center for Human Genetics Tuebingen
Classification: Uncertain significance. Last evaluated: 2024-05-01. Review status: criteria provided, single submitter. Criteria: CeGaT Center For Human Genetics Tuebingen Variant Classification Criteria Version 2. Collection method: clinical testing. Allele origin: germline. Affected: yes. Observed: 1 variant allele.
Comment: CFTR: PM5

Mayo Clinic Laboratories, Mayo Clinic
Classification: Benign. Last evaluated: 2023-02-16. Review status: criteria provided, single submitter. Criteria: ACMG Guidelines, 2015. Collection method: clinical testing. Allele origin: germline. Observed: 7 variant alleles.

Genome-Nilou Lab
Classification: Uncertain significance for Cystic fibrosis. Last evaluated: 2021-05-18. Review status: criteria provided, single submitter. Criteria: ACMG Guidelines, 2015. Collection method: clinical testing. Allele origin: germline. Affected: no.

GeneDx
Classification: Likely benign. Last evaluated: 2021-04-05. Review status: criteria provided, single submitter. Criteria: GeneDx Variant Classification Process June 2021. Collection method: clinical testing. Allele origin: germline. Affected: yes.
Comment: In silico analysis supports that this missense variant does not alter protein structure/function; This variant is associated with the following publications: (PMID: 27131402, 19914443, 33260873, 1977306, 32026723, 19324992, 19359498, 22975760)

Quest Diagnostics Nichols Institute San Juan Capistrano
Classification: Benign. Last evaluated: 2021-03-15. Review status: criteria provided, single submitter. Criteria: Quest Diagnostics criteria. Collection method: clinical testing. Allele origin: unknown.

Sema4
Classification: Benign for Hereditary pancreatitis. Last evaluated: 2020-04-28. Review status: criteria provided, single submitter. Criteria: Sema4 Curation Guidelines. Collection method: curation. Allele origin: germline.

Eurofins Ntd Llc (ga)
Classification: Benign. Last evaluated: 2016-07-06. Review status: criteria provided, single submitter. Criteria: EGL Classification Definitions 2015. Collection method: clinical testing. Allele origin: germline. Observed: 4 variant alleles, 4 heterozygotes.

Ambry Genetics
Classification: Benign for Cystic fibrosis. Last evaluated: 2015-02-12. Review status: criteria provided, single submitter. Criteria: Ambry Variant Classification Scheme 2023. Collection method: clinical testing. Allele origin: germline.

PreventionGenetics, part of Exact Sciences
Classification: Likely benign. Review status: criteria provided, single submitter. Criteria: ACMG Guidelines, 2015. Collection method: clinical testing. Allele origin: germline.

Natera, Inc.
Classification: Uncertain significance for Cystic Fibrosis. Last evaluated: 2017-11-17. Review status: no assertion criteria provided. Collection method: clinical testing. Allele origin: germline. Not counted in ClinVar's aggregate classification.

OMIM
Classification: Benign for CFTR POLYMORPHISM. Last evaluated: 1990-10-01. Review status: no assertion criteria provided. Collection method: literature only. Allele origin: germline. Not counted in ClinVar's aggregate classification.

Clinical Genetics DNA and cytogenetics Diagnostics Lab, Erasmus MC, Erasmus Medical Center
Classification: Likely benign. Review status: no assertion criteria provided. Collection method: clinical testing. Allele origin: germline. Affected: yes. Study: VKGL Data-share Consensus. Not counted in ClinVar's aggregate classification.

Diagnostic Laboratory, Department of Genetics, University Medical Center Groningen
Classification: Likely benign. Review status: no assertion criteria provided. Collection method: clinical testing. Allele origin: germline. Affected: yes. Study: VKGL Data-share Consensus. Not counted in ClinVar's aggregate classification.

Literature cited by the submitters: PubMed 1977306 (cited by 3 submitters); PubMed 28603918 (cited by Johns Hopkins Genomics, Johns Hopkins University); PubMed 33260873 (cited by Johns Hopkins Genomics, Johns Hopkins University); PubMed 38388235 (cited by Johns Hopkins Genomics, Johns Hopkins University); PubMed 9921909 (cited by Johns Hopkins Genomics, Johns Hopkins University); PubMed 17591940 (cited by Quest Diagnostics Nichols Institute San Juan Capistrano); PubMed 22975760 (cited by Quest Diagnostics Nichols Institute San Juan Capistrano).

NM_000492.4(CFTR):c.1516A>G (p.Ile506Val)

Genes: CFTR (CF transmembrane conductance regulator; plus strand), CFTR-AS1 (CFTR antisense RNA 1; minus strand). Cytogenetic location: 7q31.2.
Variant type: single nucleotide variant.
Coding change: c.1516A>G on transcript NM_000492.4 (MANE Select); coding-DNA position 1516, A replaced by G.
Protein change: p.Ile506Val; replaces isoleucine 506 with valine.
Molecular consequence: missense variant.
Genome position (GRCh38, 1-based): chr7:117,559,587, A>G. VCF-style: chr7-117559587-A-G. GRCh37 (hg19) VCF-style: chr7-117199641-A-G.
Other names: short protein forms I506V.
Identifiers: ClinVar variation 7131 (VCV000007131.67), dbSNP rs1800091, ClinGen allele CA254110.